The following is an entry in ClinVar:

ClinVar aggregate classification (germline): Uncertain significance (1 of 4 stars; one submission).

Allele frequency attached by ClinVar (database versions not stated): gnomAD exomes below 0.00001; TOPMed 0.00001.
gnomAD v4.1: 2 of 1,613,854 alleles (0.00012%); highest among the groups gnomAD compares: Non-Finnish European, 0.000085%; no homozygotes.

Submission:

Labcorp Genetics (formerly Invitae), Labcorp
Classification: Uncertain significance. Last evaluated: 2024-10-17. Review status: criteria provided, single submitter. Criteria: Invitae Variant Classification Sherloc (09022015). Collection method: clinical testing. Allele origin: germline.
Comment: This sequence change replaces proline, which is neutral and non-polar, with leucine, which is neutral and non-polar, at codon 763 of the LRP5 protein (p.Pro763Leu). This variant is present in population databases (no rsID available, gnomAD 0.0009%). This variant has not been reported in the literature in individuals affected with LRP5-related conditions. ClinVar contains an entry for this variant (Variation ID: 2058089). Invitae Evidence Modeling of protein sequence and biophysical properties (such as structural, functional, and spatial information, amino acid conservation, physicochemical variation, residue mobility, and thermodynamic stability) indicates that this missense variant is expected to disrupt LRP5 protein function with a positive predictive value of 95%. In summary, the available evidence is currently insufficient to determine the role of this variant in disease. Therefore, it has been classified as a Variant of Uncertain Significance.

NM_002335.4(LRP5):c.2288C>T (p.Pro763Leu)

Gene: LRP5 (LDL receptor related protein 5; plus strand). Cytogenetic location: 11q13.2.
Variant type: single nucleotide variant.
Coding change: c.2288C>T on transcript NM_002335.4 (MANE Select); coding-DNA position 2288, C replaced by T.
Protein change: p.Pro763Leu; replaces proline 763 with leucine.
Molecular consequence: missense variant.
Genome position (GRCh38, 1-based): chr11:68,410,110, C>T. VCF-style: chr11-68410110-C-T. GRCh37 (hg19) VCF-style: chr11-68177578-C-T.
Other names: c.545C>T, p.Pro182Leu (NM_001291902.2); short protein forms P763L, P182L.
Identifiers: ClinVar variation 2058089 (VCV002058089.4), dbSNP rs948083385, ClinGen allele CA224272992.